The following is an entry in ClinVar:

NM_144687.4(NLRP12):c.2785G>A (p.Ala929Thr)

Gene: NLRP12 (NLR family pyrin domain containing 12; minus strand). Cytogenetic location: 19q13.42.
Variant type: single nucleotide variant.
Coding change: c.2785G>A on transcript NM_144687.4 (MANE Select); coding-DNA position 2785, G replaced by A.
Protein change: p.Ala929Thr; replaces alanine 929 with threonine.
Molecular consequence: missense variant. On other transcripts: intron variant (1).
Genome position (GRCh38, 1-based): chr19:53,798,385, C>T on the plus strand (G>A on the coding strand, the complement: NLRP12 is on the minus strand). VCF-style: chr19-53798385-C-T. GRCh37 (hg19) VCF-style: chr19-54301639-C-T.
Other names: c.2788G>A, p.Ala930Thr (NM_001277126.2); c.2757-2356G>A (NM_001277129.1); short protein forms A930T, A929T.
Identifiers: ClinVar variation 751699 (VCV000751699.12), dbSNP rs146368839, ClinGen allele CA9638900.

ClinVar aggregate classification (germline): Benign/Likely benign. Review status: criteria provided, multiple submitters, no conflicts (2 of 4 stars). 3 submissions from 3 submitters: Benign (1); Likely benign (2). Last evaluated 2025-10-02.

Conditions:
Familial cold autoinflammatory syndrome 2 (FCAS2). Identifiers: Orphanet 247868, MedGen C2673198, MONDO:0012724, OMIM 611762.

Allele frequency attached by ClinVar (database versions not stated): TOPMed 0.00004; gnomAD 0.00006 and 0.00013; ESP Exome Variant Server 0.00008; gnomAD exomes 0.00025; ExAC 0.00028; 1000 Genomes Project 30x 0.00078; 1000 Genomes Project 0.00080.
gnomAD v4.1: 442 of 1,614,090 alleles (0.027%); highest among the groups gnomAD compares: East Asian, 0.85%; 2 homozygotes.

Submissions (3):

Labcorp Genetics (formerly Invitae), Labcorp
Classification: Likely benign for Familial cold autoinflammatory syndrome 2. Last evaluated: 2025-10-02. Review status: criteria provided, single submitter. Criteria: Invitae Variant Classification Sherloc (09022015). Collection method: clinical testing. Allele origin: germline.

Fulgent Genetics
Classification: Likely benign for Familial cold autoinflammatory syndrome 2. Last evaluated: 2022-01-07. Review status: criteria provided, single submitter. Criteria: ACMG Guidelines, 2015. Collection method: clinical testing. Allele origin: unknown.

Illumina Laboratory Services, Illumina
Classification: Benign for Familial cold autoinflammatory syndrome 2. Last evaluated: 2018-01-12. Review status: criteria provided, single submitter. Criteria: ICSL Variant Classification Criteria 13 December 2019. Collection method: clinical testing. Allele origin: germline.
Comment: This variant was observed in the ICSL laboratory as part of a predisposition screen in an ostensibly healthy population. It had not been previously curated by ICSL or reported in the Human Gene Mutation Database (HGMD: prior to June 1st, 2018), and was therefore a candidate for classification through an automated scoring system. Utilizing variant allele frequency, disease prevalence and penetrance estimates, and inheritance mode, an automated score was calculated to assess if this variant is too frequent to cause the disease. Based on the score and internal cut-off values, a variant classified as benign is not then subjected to further curation. The score for this variant resulted in a classification of benign for this disease.